The following is an entry in ClinVar:

NM_001256789.3(CACNA1F):c.359C>G (p.Ser120Cys)

Gene: CACNA1F (calcium voltage-gated channel subunit alpha1 F; minus strand). Cytogenetic location: Xp11.23.
Variant type: single nucleotide variant.
Coding change: c.359C>G on transcript NM_001256789.3 (MANE Select); coding-DNA position 359, C replaced by G.
Protein change: p.Ser120Cys; replaces serine 120 with cysteine.
Molecular consequence: missense variant.
Genome position (GRCh38, 1-based): chrX:49,231,224, G>C on the plus strand (C>G on the coding strand, the complement: CACNA1F is on the minus strand). VCF-style: chrX-49231224-G-C. GRCh37 (hg19) VCF-style: chrX-49087686-G-C.
Other names: c.164C>G, p.Ser55Cys (NM_001256790.3); c.359C>G, p.Ser120Cys (NM_005183.4); short protein forms S55C, S120C.
Identifiers: ClinVar variation 1524551 (VCV001524551.8), dbSNP rs782044984, ClinGen allele CA10411095.

ClinVar aggregate classification (germline): Uncertain significance (1 of 4 stars; one submission).

Allele frequency attached by ClinVar (database versions not stated): TOPMed below 0.00001; gnomAD exomes 0.00001 and 0.00002.
gnomAD v4.1: 10 of 1,161,279 alleles (0.00086%); highest among the groups gnomAD compares: East Asian, 0.019%; no homozygotes.

Submission:

Labcorp Genetics (formerly Invitae), Labcorp
Classification: Uncertain significance. Last evaluated: 2024-01-29. Review status: criteria provided, single submitter. Criteria: Invitae Variant Classification Sherloc (09022015). Collection method: clinical testing. Allele origin: germline.
Comment: This sequence change replaces serine, which is neutral and polar, with cysteine, which is neutral and slightly polar, at codon 120 of the CACNA1F protein (p.Ser120Cys). This variant is present in population databases (rs782044984, gnomAD 0.03%). This variant has not been reported in the literature in individuals affected with CACNA1F-related conditions. ClinVar contains an entry for this variant (Variation ID: 1524551). Advanced modeling of protein sequence and biophysical properties (such as structural, functional, and spatial information, amino acid conservation, physicochemical variation, residue mobility, and thermodynamic stability) performed at Invitae indicates that this missense variant is expected to disrupt CACNA1F protein function with a positive predictive value of 80%. In summary, the available evidence is currently insufficient to determine the role of this variant in disease. Therefore, it has been classified as a Variant of Uncertain Significance.